The following is an entry in ClinVar:

NM_032119.4(ADGRV1):c.13496G>A (p.Arg4499His)

Gene: ADGRV1 (adhesion G protein-coupled receptor V1; plus strand). Cytogenetic location: 5q14.3.
Variant type: single nucleotide variant.
Coding change: c.13496G>A on transcript NM_032119.4 (MANE Select); coding-DNA position 13496, G replaced by A.
Protein change: p.Arg4499His; replaces arginine 4499 with histidine.
Molecular consequence: missense variant. On other transcripts: non-coding transcript variant (1).
Genome position (GRCh38, 1-based): chr5:90,783,900, G>A. VCF-style: chr5-90783900-G-A. GRCh37 (hg19) VCF-style: chr5-90079717-G-A.
Other names: short protein forms R4499H.
Identifiers: ClinVar variation 179571 (VCV000179571.27), dbSNP rs375122809, ClinGen allele CA184684.

ClinVar aggregate classification (germline): Conflicting classifications of pathogenicity. Review status: criteria provided, conflicting classifications (1 of 4 stars). 8 submissions from 8 submitters: Uncertain significance (5); Likely benign (3). Last evaluated 2026-01-20.

Conditions:
Inborn genetic diseases. Identifiers: MedGen C0950123, MeSH D030342.
Usher syndrome type 2C. Also called: Usher syndrome, type 2B; USHER SYNDROME, TYPE IIC. Identifiers: Orphanet 231178, Orphanet 886, MedGen C2931213, MONDO:0011558, OMIM 605472.

Allele frequency attached by ClinVar (database versions not stated): gnomAD exomes 0.00003 and 0.00011; gnomAD 0.00009 and 0.00011; ExAC 0.00010; TOPMed 0.00011; 1000 Genomes Project 30x 0.00031; 1000 Genomes Project 0.00040.
gnomAD v4.1: 112 of 1,611,912 alleles (0.0069%); highest among the groups gnomAD compares: East Asian, 0.033%; 1 homozygote.

Submissions (8):

Labcorp Genetics (formerly Invitae), Labcorp
Classification: Likely benign. Last evaluated: 2026-01-20. Review status: criteria provided, single submitter. Criteria: Invitae Variant Classification Sherloc (09022015). Collection method: clinical testing. Allele origin: germline.

Blueprint Genetics
Classification: Uncertain significance. Last evaluated: 2024-10-28. Review status: criteria provided, single submitter. Criteria: ACMG Guidelines, 2015. Collection method: clinical testing. Allele origin: germline.

Ambry Genetics
Classification: Uncertain significance for Inborn genetic diseases. Last evaluated: 2024-01-30. Review status: criteria provided, single submitter. Criteria: Ambry Variant Classification Scheme 2023. Collection method: clinical testing. Allele origin: germline.

GeneDx
Classification: Likely benign. Last evaluated: 2020-01-28. Review status: criteria provided, single submitter. Criteria: GeneDx Variant Classification Process June 2021. Collection method: clinical testing. Allele origin: germline. Affected: yes.

Athena Diagnostics
Classification: Uncertain significance. Last evaluated: 2019-05-14. Review status: criteria provided, single submitter. Criteria: Athena Diagnostics Criteria. Collection method: clinical testing. Allele origin: germline.

Eurofins Ntd Llc (ga)
Classification: Uncertain significance. Last evaluated: 2018-08-30. Review status: criteria provided, single submitter. Criteria: EGL ClinVar v180209 classification definitions. Collection method: clinical testing. Allele origin: germline. Observed: 2 variant alleles, 1 heterozygote, 1 homozygote.

Illumina Laboratory Services, Illumina
Classification: Uncertain significance for Usher syndrome type 2C. Last evaluated: 2018-01-13. Review status: criteria provided, single submitter. Criteria: ICSL Variant Classification Criteria 13 December 2019. Collection method: clinical testing. Allele origin: germline.

Laboratory for Molecular Medicine, Mass General Brigham Personalized Medicine
Classification: Likely benign. Last evaluated: 2014-03-06. Review status: criteria provided, single submitter. Criteria: LMM Criteria. Collection method: clinical testing. Allele origin: germline. Observed: 2 variant alleles.
Comment: Arg4499His in exon 67 of GPR98: This variant is not expected to have clinical si gnificance because the arginine (Arg) at position 4499 is not conserved across s pecies with several mammals (pika, hedgehog, wallaby, platypus) having a histidi ne (His) at this position.